The following is an entry in ClinVar:

ClinVar aggregate classification (germline): Conflicting classifications of pathogenicity. Review status: criteria provided, conflicting classifications (1 of 4 stars). 3 submissions from 3 submitters: Uncertain significance (1); Likely benign (2). Last evaluated 2026-07-29.

Conditions:
Hereditary cancer-predisposing syndrome. Also called: Hereditary Cancer Syndrome; Neoplastic Syndromes, Hereditary; Hereditary neoplastic syndrome; Tumor predisposition. Identifiers: Orphanet 140162, MedGen C0027672, MeSH D009386, MONDO:0015356.

Submissions (3):

Ambry Genetics
Classification: Likely benign for Hereditary cancer-predisposing syndrome. Last evaluated: 2026-07-29. Review status: criteria provided, single submitter. Criteria: Ambry Variant Classification Scheme 2023. Collection method: clinical testing. Allele origin: germline.

University of Washington Department of Laboratory Medicine, University of Washington
Classification: Likely benign for Hereditary cancer-predisposing syndrome. Last evaluated: 2023-03-23. Review status: criteria provided, single submitter. Criteria: Dines et al. (Genet Med. 2020). Collection method: curation. Allele origin: germline.
Comment: Missense variant in a coldspot region where missense variants are very unlikely to be pathogenic (PMID:31911673).

BRCA2 exon 10 coldspot. Reclassification based on statistical prior probability.

Genetic Services Laboratory, University of Chicago
Classification: Uncertain significance. Last evaluated: 2020-09-09. Review status: criteria provided, single submitter. Criteria: ACMG Guidelines, 2015. Collection method: clinical testing. Allele origin: germline. Affected: no.
Comment: DNA sequence analysis of the BRCA2 gene demonstrated a sequence change, c.1417C>T, in exon 10 that results in an amino acid change, p.His473Tyr. This sequence change does not appear to have been previously described in patients with BRCA2-related disorders and has also not been described in population databases (gnomAD, ExAC). The p.His473Tyr change affects a poorly conserved amino acid residue located in a domain of the BRCA2 protein that is known to be functional. The p.His473Tyr substitution appears to be benign using several in-silico pathogenicity prediction tools (SIFT, PolyPhen2, Align GVGD, REVEL). Due to these contrasting evidences and the lack of functional studies, the clinical significance of the p.His473Tyr change remains unknown at this time.

NM_000059.4(BRCA2):c.1417C>T (p.His473Tyr)

Gene: BRCA2 (BRCA2 DNA repair associated; plus strand). Cytogenetic location: 13q13.1.
Variant type: single nucleotide variant.
Coding change: c.1417C>T on transcript NM_000059.4 (MANE Select); coding-DNA position 1417, C replaced by T.
Protein change: p.His473Tyr; replaces histidine 473 with tyrosine.
Molecular consequence: missense variant.
Genome position (GRCh38, 1-based): chr13:32,332,895, C>T. VCF-style: chr13-32332895-C-T. GRCh37 (hg19) VCF-style: chr13-32907032-C-T.
Other names: short protein forms H473Y.
Identifiers: ClinVar variation 1337728 (VCV001337728.6), dbSNP rs2137471224, ClinGen allele CA387764217.
Genomic context (GRCh38, chr13:32,332,895, plus strand): 5'-CCAAAATCAGAGAAGCCATTAAATGAGGAAACAGTGGTAAATAAGAGAGATGAAGAGCAG[C>T]ATCTTGAATCTCATACAGACTGCATTCTTGCAGTAAAGCAGGCAATATCTGGAACTTCTC-3'
Protein context (NP_000050.3, residues 463-483): TVVNKRDEEQ[His473Tyr]LESHTDCILA